The following is an entry in ClinVar:

NM_000054.7(AVPR2):c.839A>G (p.Tyr280Cys)

Gene: AVPR2 (arginine vasopressin receptor 2; plus strand). Cytogenetic location: Xq28.
Variant type: single nucleotide variant.
Coding change: c.839A>G on transcript NM_000054.7 (MANE Select); coding-DNA position 839, A replaced by G.
Protein change: p.Tyr280Cys; replaces tyrosine 280 with cysteine.
Molecular consequence: missense variant. On other transcripts: non-coding transcript variant (1).
Genome position (GRCh38, 1-based): chrX:153,906,345, A>G. VCF-style: chrX-153906345-A-G. GRCh37 (hg19) VCF-style: chrX-153171799-A-G.
Other names: c.839A>G, p.Tyr280Cys (NM_001146151.3); short protein forms Y280C.
Identifiers: ClinVar variation 10843 (VCV000010843.5), dbSNP rs104894752, ClinGen allele CA255570.
Genomic context (GRCh38, chrX:153,906,345, plus strand): 5'-CCCACGTGTCAGCAGCTGTGGCCAAGACTGTGAGGATGACGCTAGTGATTGTGGTCGTCT[A>G]TGTGCTGTGCTGGGCACCCTTCTTCCTGGTGCAGCTGTGGGCCGCGTGGGACCCGGAGGC-3'
Protein context (NP_000045.1, residues 270-290): VRMTLVIVVV[Tyr280Cys]VLCWAPFFLV

ClinVar aggregate classification (germline): Pathogenic. Review status: criteria provided, single submitter (1 of 4 stars). 2 submissions from 2 submitters: Pathogenic (1). 1 of the submissions does not count toward it. Last evaluated 2023-05-09.

Conditions:
Diabetes insipidus, nephrogenic, X-linked. Also called: Nephrogenic Diabetes Insipidus, Type I. Identifiers: Orphanet 223, MedGen C1563705, MONDO:0010581, OMIM 304800.

Submissions (2):

Labcorp Genetics (formerly Invitae), Labcorp
Classification: Pathogenic. Last evaluated: 2023-05-09. Review status: criteria provided, single submitter. Criteria: Invitae Variant Classification Sherloc (09022015). Collection method: clinical testing. Allele origin: germline.
Comment: This sequence change replaces tyrosine, which is neutral and polar, with cysteine, which is neutral and slightly polar, at codon 280 of the AVPR2 protein (p.Tyr280Cys). This variant is not present in population databases (gnomAD no frequency). This missense change has been observed in individuals with nephrogenic diabetes insipidus (PMID: 7987330, 8078903, 34101133). ClinVar contains an entry for this variant (Variation ID: 10843). Advanced modeling of protein sequence and biophysical properties (such as structural, functional, and spatial information, amino acid conservation, physicochemical variation, residue mobility, and thermodynamic stability) performed at Invitae indicates that this missense variant is expected to disrupt AVPR2 protein function. Experimental studies have shown that this missense change affects AVPR2 function (PMID: 9027323, 10644689, 19587238). For these reasons, this variant has been classified as Pathogenic.

OMIM
Classification: Pathogenic for DIABETES INSIPIDUS, NEPHROGENIC, 1, X-LINKED. Last evaluated: 1994-08-30. Review status: no assertion criteria provided. Collection method: literature only. Allele origin: germline. Not counted in ClinVar's aggregate classification.

Literature cited by the submitters: PubMed 7987330 (cited by Labcorp Genetics (formerly Invitae), Labcorp); PubMed 8078903 (cited by Labcorp Genetics (formerly Invitae), Labcorp and OMIM); PubMed 34101133 (cited by Labcorp Genetics (formerly Invitae), Labcorp); PubMed 9027323 (cited by Labcorp Genetics (formerly Invitae), Labcorp); PubMed 10644689 (cited by Labcorp Genetics (formerly Invitae), Labcorp); PubMed 19587238 (cited by Labcorp Genetics (formerly Invitae), Labcorp).